The following is an entry in ClinVar:

ClinVar aggregate classification (germline): Uncertain significance (1 of 4 stars; one submission).

Conditions:
Hereditary cancer-predisposing syndrome. Also called: Tumor predisposition; Hereditary Cancer Syndrome; Neoplastic Syndromes, Hereditary; Hereditary neoplastic syndrome. Identifiers: Orphanet 140162, MedGen C0027672, MeSH D009386, MONDO:0015356.

Submission:

Ambry Genetics
Classification: Uncertain significance for Hereditary cancer-predisposing syndrome. Last evaluated: 2019-05-14. Review status: criteria provided, single submitter. Criteria: Ambry Variant Classification Scheme 2023. Collection method: clinical testing. Allele origin: germline.
Comment: The p.E1101D variant (also known as c.3303G>C), located in coding exon 21 of the TSC1 gene, results from a G to C substitution at nucleotide position 3303. The glutamic acid at codon 1101 is replaced by aspartic acid, an amino acid with highly similar properties. This amino acid position is highly conserved in available vertebrate species. In addition, the in silico prediction for this alteration is inconclusive. Since supporting evidence is limited at this time, the clinical significance of this alteration remains unclear.

NM_000368.5(TSC1):c.3303G>C (p.Glu1101Asp)

Gene: TSC1 (TSC complex subunit 1; minus strand). Cytogenetic location: 9q34.13.
Variant type: single nucleotide variant.
Coding change: c.3303G>C on transcript NM_000368.5 (MANE Select); coding-DNA position 3303, G replaced by C.
Protein change: p.Glu1101Asp; replaces glutamic acid 1101 with aspartic acid.
Molecular consequence: missense variant.
Genome position (GRCh38, 1-based): chr9:132,896,427, C>G on the plus strand (G>C on the coding strand, the complement: TSC1 is on the minus strand). VCF-style: chr9-132896427-C-G. GRCh37 (hg19) VCF-style: chr9-135771814-C-G.
Other names: c.3300G>C, p.Glu1100Asp (NM_001162426.2); c.3150G>C, p.Glu1050Asp (NM_001162427.2); c.2940G>C, p.Glu980Asp (NM_001362177.2); short protein forms E1050D, E1101D, E980D, E1100D.
Identifiers: ClinVar variation 823516 (VCV000823516.4), dbSNP rs118203751, ClinGen allele CA375366668.